The following is an entry in ClinVar:

ClinVar aggregate classification (germline): Uncertain significance (1 of 4 stars; one submission).

Conditions:
Severe combined immunodeficiency due to DNA-PKcs deficiency. Also called: IMMUNODEFICIENCY 26 WITH NEUROLOGIC ABNORMALITIES; Immunodeficiency 26 with or without neurologic abnormalities. Identifiers: Orphanet 317425, MedGen C4014833, MONDO:0014423, OMIM 615966.

gnomAD v4.1: 3 of 1,588,642 alleles (0.00019%); highest among the groups gnomAD compares: Non-Finnish European, 0.00026%; no homozygotes.

Submission:

Labcorp Genetics (formerly Invitae), Labcorp
Classification: Uncertain significance for Severe combined immunodeficiency due to DNA-PKcs deficiency. Last evaluated: 2025-07-07. Review status: criteria provided, single submitter. Criteria: Invitae Variant Classification Sherloc (09022015). Collection method: clinical testing. Allele origin: germline.
Comment: This sequence change replaces threonine, which is neutral and polar, with serine, which is neutral and polar, at codon 1703 of the PRKDC protein (p.Thr1703Ser). This variant is not present in population databases (gnomAD no frequency). This variant has not been reported in the literature in individuals affected with PRKDC-related conditions. ClinVar contains an entry for this variant (Variation ID: 1720420). Invitae Evidence Modeling of protein sequence and biophysical properties (such as structural, functional, and spatial information, amino acid conservation, physicochemical variation, residue mobility, and thermodynamic stability) indicates that this missense variant is not expected to disrupt PRKDC protein function with a negative predictive value of 80%. In summary, the available evidence is currently insufficient to determine the role of this variant in disease. Therefore, it has been classified as a Variant of Uncertain Significance.

NM_006904.7(PRKDC):c.5108C>G (p.Thr1703Ser)

Gene: PRKDC (protein kinase, DNA-activated, catalytic subunit; minus strand). Cytogenetic location: 8q11.21.
Variant type: single nucleotide variant.
Coding change: c.5108C>G on transcript NM_006904.7 (MANE Select); coding-DNA position 5108, C replaced by G.
Protein change: p.Thr1703Ser; replaces threonine 1703 with serine.
Molecular consequence: missense variant.
Genome position (GRCh38, 1-based): chr8:47,879,618, G>C on the plus strand (C>G on the coding strand, the complement: PRKDC is on the minus strand). VCF-style: chr8-47879618-G-C. GRCh37 (hg19) VCF-style: chr8-48792179-G-C.
Other names: c.5108C>G, p.Thr1703Ser (NM_001081640.2); short protein forms T1703S.
Identifiers: ClinVar variation 1720420 (VCV001720420.5), dbSNP rs1436476439, ClinGen allele CA371139425.